The following is an entry in ClinVar:

NM_001211.6(BUB1B):c.1733G>A (p.Cys578Tyr)

Gene: BUB1B (BUB1 mitotic checkpoint serine/threonine kinase B; plus strand). Cytogenetic location: 15q15.1.
Variant type: single nucleotide variant.
Coding change: c.1733G>A on transcript NM_001211.6 (MANE Select); coding-DNA position 1733, G replaced by A.
Protein change: p.Cys578Tyr; replaces cysteine 578 with tyrosine.
Molecular consequence: missense variant.
Genome position (GRCh38, 1-based): chr15:40,202,693, G>A. VCF-style: chr15-40202693-G-A. GRCh37 (hg19) VCF-style: chr15-40494894-G-A.
Other names: short protein forms C578Y.
Identifiers: ClinVar variation 2592592 (VCV002592592.2), dbSNP rs747352704, ClinGen allele CA7475867.

ClinVar aggregate classification (germline): Uncertain significance (1 of 4 stars; one submission).

Conditions:
Inborn genetic diseases. Identifiers: MedGen C0950123, MeSH D030342.

Allele frequency attached by ClinVar (database versions not stated): gnomAD exomes below 0.00001; TOPMed below 0.00001; ExAC 0.00001.
gnomAD v4.1: 2 of 1,610,294 alleles (0.00012%); highest among the groups gnomAD compares: East Asian, 0.0022%; no homozygotes.

Submission:

Ambry Genetics
Classification: Uncertain significance for Inborn genetic diseases. Last evaluated: 2023-06-21. Review status: criteria provided, single submitter. Criteria: Ambry Variant Classification Scheme 2023. Collection method: clinical testing. Allele origin: germline.
Comment: The p.C578Y variant (also known as c.1733G>A), located in coding exon 14 of the BUB1B gene, results from a G to A substitution at nucleotide position 1733. The cysteine at codon 578 is replaced by tyrosine, an amino acid with highly dissimilar properties. This amino acid position is conserved. In addition, this alteration is predicted to be tolerated by in silico analysis. Since supporting evidence is limited at this time, the clinical significance of this alteration remains unclear.